The following is an entry in ClinVar:

NM_000719.7(CACNA1C):c.5729G>T (p.Arg1910Leu)

Genes: CACNA1C (calcium voltage-gated channel subunit alpha1 C; plus strand), CACNA1C-AS1 (CACNA1C antisense RNA 1; minus strand). Cytogenetic location: 12p13.33.
Variant type: single nucleotide variant.
Coding change: c.5729G>T on transcript NM_000719.7 (MANE Select); coding-DNA position 5729, G replaced by T.
Protein change: p.Arg1910Leu; replaces arginine 1910 with leucine.
Molecular consequence: missense variant.
Genome position (GRCh38, 1-based): chr12:2,686,214, G>T. VCF-style: chr12-2686214-G-T. GRCh37 (hg19) VCF-style: chr12-2795380-G-T.
Other names: c.5873G>T, p.Arg1958Leu (NM_001129827.2); c.5852G>T, p.Arg1951Leu (NM_001129829.2); c.5834G>T, p.Arg1945Leu (NM_001129830.3, NM_001167624.3); c.5813G>T, p.Arg1938Leu (NM_001129831.2); c.5789G>T, p.Arg1930Leu (NM_001129832.2); c.5786G>T, p.Arg1929Leu (NM_001129833.2, NM_001129834.2, NM_001129835.2); c.5780G>T, p.Arg1927Leu (NM_001129836.2); c.5753G>T, p.Arg1918Leu (NM_001129837.2, NM_001129838.2); and 6 more; short protein forms R1899L, R1907L, R1910L, R1916L, R1918L, R1927L, R1929L, R1930L.
Identifiers: ClinVar variation 4057056 (VCV004057056.2).

ClinVar aggregate classification (germline): Uncertain significance (1 of 4 stars; one submission).

Submission:

GeneDx
Classification: Uncertain significance. Last evaluated: 2026-08-17. Review status: criteria provided, single submitter. Criteria: GeneDx Variant Classification Process June 2021. Collection method: clinical testing. Allele origin: germline.
Comment: Not observed at significant frequency in large population cohorts (gnomAD); In silico analysis suggests that this missense variant does not alter protein structure/function; Has not been previously published as pathogenic or benign to our knowledge